The following is an entry in ClinVar:

NM_201384.3(PLEC):c.1439G>A (p.Arg480His)

Gene: PLEC (plectin; minus strand). Cytogenetic location: 8q24.3.
Variant type: single nucleotide variant.
Coding change: c.1439G>A on transcript NM_201384.3 (MANE Select); coding-DNA position 1439, G replaced by A.
Protein change: p.Arg480His; replaces arginine 480 with histidine.
Molecular consequence: missense variant.
Genome position (GRCh38, 1-based): chr8:143,933,091, C>T on the plus strand (G>A on the coding strand, the complement: PLEC is on the minus strand). VCF-style: chr8-143933091-C-T. GRCh37 (hg19) VCF-style: chr8-145007259-C-T.
Other names: c.1520G>A, p.Arg507His (NM_000445.5, NM_001410941.1); c.1397G>A, p.Arg466His (NM_201378.4); c.1373G>A, p.Arg458His (NM_201379.3); c.1850G>A, p.Arg617His (NM_201380.4); c.1343G>A, p.Arg448His (NM_201381.3); c.1439G>A, p.Arg480His (NM_201382.4); c.1451G>A, p.Arg484His (NM_201383.3); short protein forms R448H, R458H, R466H, R480H, R484H, R507H, R617H.
Identifiers: ClinVar variation 2435013 (VCV002435013.6), dbSNP rs781886606, ClinGen allele CA4927953.

ClinVar aggregate classification (germline): Uncertain significance. Review status: criteria provided, multiple submitters, no conflicts (2 of 4 stars). 2 submissions from 2 submitters: Uncertain significance (2). Last evaluated 2025-03-31.

Conditions:
Epidermolysis bullosa simplex 5B, with muscular dystrophy (EBS5B). Also called: EPIDERMOLYSIS BULLOSA SIMPLEX AND LIMB-GIRDLE MUSCULAR DYSTROPHY; Epidermolysis bullosa simplex with muscular dystrophy. Identifiers: Orphanet 257, MedGen C2931072, MONDO:0009181, OMIM 226670.
Epidermolysis bullosa simplex with nail dystrophy (EBS5D). Identifiers: MedGen C4225309, MONDO:0014661, OMIM 616487.
Epidermolysis bullosa simplex 5C, with pyloric atresia (EBS5C). Also called: PLEC-Related Epidermolysis Bullosa with Pyloric Atresia; Epidermolysis bullosa simplex with pyloric atresia; PLEC1-Related Epidermolysis Bullosa with Pyloric Atresia. Identifiers: Orphanet 158684, MedGen C2677349, MONDO:0012807, OMIM 612138.
Autosomal recessive limb-girdle muscular dystrophy type 2Q (LGMDR17). Also called: MUSCULAR DYSTROPHY, LIMB-GIRDLE, AUTOSOMAL RECESSIVE 17. Identifiers: Orphanet 254361, MedGen C3150989, MONDO:0013390, OMIM 613723.
Epidermolysis bullosa simplex, Ogna type (EBS5A). Also called: EPIDERMOLYSIS BULLOSA SIMPLEX 5A, OGNA TYPE; Pidermolysis bullosa simplex 5A, Ogna type. Identifiers: Orphanet 79401, MedGen C0432317, MONDO:0007555, OMIM 131950.

Allele frequency attached by ClinVar (database versions not stated): ExAC 0.00002; TOPMed 0.00002; gnomAD exomes 0.00006.
gnomAD v4.1: 90 of 1,590,208 alleles (0.0057%); highest among the groups gnomAD compares: Non-Finnish European, 0.0073%; no homozygotes.

Submissions (2):

Labcorp Genetics (formerly Invitae), Labcorp
Classification: Uncertain significance for Autosomal recessive limb-girdle muscular dystrophy type 2Q; Epidermolysis bullosa simplex, Ogna type; Epidermolysis bullosa simplex with nail dystrophy; Epidermolysis bullosa simplex 5C, with pyloric atresia; Epidermolysis bullosa simplex 5B, with muscular dystrophy. Last evaluated: 2025-03-31. Review status: criteria provided, single submitter. Criteria: Invitae Variant Classification Sherloc (09022015). Collection method: clinical testing. Allele origin: germline.
Comment: This sequence change replaces arginine, which is basic and polar, with histidine, which is basic and polar, at codon 507 of the PLEC protein (p.Arg507His). This variant is present in population databases (rs781886606, gnomAD 0.007%). This variant has not been reported in the literature in individuals affected with PLEC-related conditions. ClinVar contains an entry for this variant (Variation ID: 2435013). Experimental studies and prediction algorithms are not available or were not evaluated, and the functional significance of this variant is currently unknown. In summary, the available evidence is currently insufficient to determine the role of this variant in disease. Therefore, it has been classified as a Variant of Uncertain Significance.

Revvity Omics, Revvity
Classification: Uncertain significance. Last evaluated: 2021-12-08. Review status: criteria provided, single submitter. Criteria: ACMG Guidelines, 2015. Collection method: clinical testing. Allele origin: germline.